The following is an entry in ClinVar:

ClinVar aggregate classification (germline): Conflicting classifications of pathogenicity. Review status: criteria provided, conflicting classifications (1 of 4 stars). 4 submissions from 4 submitters: Uncertain significance (1); Likely benign (2). 1 of the submissions does not count toward it. Last evaluated 2023-11-14.

Conditions:
KAT6A-related disorder. Also called: KAT6A-related condition.
Inborn genetic diseases. Identifiers: MedGen C0950123, MeSH D030342.

Allele frequency attached by ClinVar (database versions not stated): TOPMed 0.00001; ExAC 0.00003; gnomAD 0.00003 and 0.00004; gnomAD exomes 0.00004.
gnomAD v4.1: 30 of 1,613,954 alleles (0.0019%); highest among the groups gnomAD compares: African/African-American, 0.0067%; no homozygotes.

Submissions (4):

Labcorp Genetics (formerly Invitae), Labcorp
Classification: Likely benign. Last evaluated: 2023-11-14. Review status: criteria provided, single submitter. Criteria: Invitae Variant Classification Sherloc (09022015). Collection method: clinical testing. Allele origin: germline.

Ambry Genetics
Classification: Likely benign for Inborn genetic diseases. Last evaluated: 2023-02-07. Review status: criteria provided, single submitter. Criteria: Ambry Variant Classification Scheme 2023. Collection method: clinical testing. Allele origin: germline.

GeneDx
Classification: Uncertain significance. Last evaluated: 2022-12-07. Review status: criteria provided, single submitter. Criteria: GeneDx Variant Classification Process June 2021. Collection method: clinical testing. Allele origin: germline. Affected: yes.
Comment: In silico analysis supports that this missense variant has a deleterious effect on protein structure/function; Has not been previously published as pathogenic or benign to our knowledge

PreventionGenetics, part of Exact Sciences
Classification: Likely benign for KAT6A-related condition. Last evaluated: 2024-05-10. Review status: no assertion criteria provided. Collection method: clinical testing. Allele origin: germline. Not counted in ClinVar's aggregate classification.
Comment: This variant is classified as likely benign based on ACMG/AMP sequence variant interpretation guidelines (Richards et al. 2015 PMID: 25741868, with internal and published modifications).

NM_006766.5(KAT6A):c.5585C>T (p.Ala1862Val)

Gene: KAT6A (lysine acetyltransferase 6A; minus strand). Cytogenetic location: 8p11.21.
Variant type: single nucleotide variant.
Coding change: c.5585C>T on transcript NM_006766.5 (MANE Select); coding-DNA position 5585, C replaced by T.
Protein change: p.Ala1862Val; replaces alanine 1862 with valine.
Molecular consequence: missense variant.
Genome position (GRCh38, 1-based): chr8:41,932,635, G>A on the plus strand (C>T on the coding strand, the complement: KAT6A is on the minus strand). VCF-style: chr8-41932635-G-A. GRCh37 (hg19) VCF-style: chr8-41790153-G-A.
Other names: c.5585C>T (NM_006766.3, NM_006766.4); short protein forms A1862V.
Identifiers: ClinVar variation 1480143 (VCV001480143.10), dbSNP rs759267222, ClinGen allele CA4729283.
Genomic context (GRCh38, chr8:41,932,635, plus strand): 5'-ACTGCCGATGGGCTACGGCCATACAGCTGCTGCTGGTGAGCAGCCGCAGAGGGCAGTGGC[G>A]CAGACTTGGAGCGGATGGAAATGTGCCCCTTCACTGGCATTTGCCCTTGCAATCTCTGCG-3'
Protein context (NP_006757.2, residues 1852-1872): KGHISIRSKS[Ala1862Val]PLPSAAAHQQ